The following is an entry in ClinVar:

ClinVar aggregate classification (germline): Benign/Likely benign. Review status: criteria provided, multiple submitters, no conflicts (2 of 4 stars). 8 submissions from 8 submitters: Benign (4); Likely benign (3). 1 of the submissions does not count toward it. Last evaluated 2026-09-01.

Conditions:
KBG syndrome (KBGS). Also called: ANKRD11-Related KBG Syndrome. Identifiers: Orphanet 2332, MedGen C0220687, MONDO:0007846, OMIM 148050.
ANKRD11-related disorder. Also called: ANKRD11-related condition.
Inborn genetic diseases. Identifiers: MedGen C0950123, MeSH D030342.

Allele frequency attached by ClinVar (database versions not stated): gnomAD exomes 0.00021 and 0.00036; ExAC 0.00035; 1000 Genomes Project 30x 0.00078; 1000 Genomes Project 0.00080; ESP Exome Variant Server 0.00103; gnomAD 0.00144 and 0.00155; TOPMed 0.00171.
gnomAD v4.1: 520 of 1,543,466 alleles (0.034%); highest among the groups gnomAD compares: African/African-American, 0.48%; 3 homozygotes.

Submissions (8):

CeGaT Center for Human Genetics Tuebingen
Classification: Likely benign. Last evaluated: 2026-09-01. Review status: criteria provided, single submitter. Criteria: CeGaT Center For Human Genetics Tuebingen Variant Classification Criteria Version 2. Collection method: clinical testing. Allele origin: germline. Affected: yes. Observed: 4 variant alleles.
Comment: ANKRD11: BP4, BS1

Labcorp Genetics (formerly Invitae), Labcorp
Classification: Benign for KBG syndrome. Last evaluated: 2026-01-01. Review status: criteria provided, single submitter. Criteria: Invitae Variant Classification Sherloc (09022015). Collection method: clinical testing. Allele origin: germline.

Blueprint Genetics
Classification: Likely benign. Last evaluated: 2024-11-18. Review status: criteria provided, single submitter. Criteria: ACMG Guidelines, 2015. Collection method: clinical testing. Allele origin: germline.

Genome-Nilou Lab
Classification: Benign for KBG syndrome. Last evaluated: 2021-12-05. Review status: criteria provided, single submitter. Criteria: ACMG Guidelines, 2015. Collection method: clinical testing. Allele origin: germline. Affected: no.

Ambry Genetics
Classification: Likely benign for Inborn genetic diseases. Last evaluated: 2021-07-26. Review status: criteria provided, single submitter. Criteria: Ambry Variant Classification Scheme 2023. Collection method: clinical testing. Allele origin: germline.

GeneDx
Classification: Benign. Last evaluated: 2020-05-11. Review status: criteria provided, single submitter. Criteria: GeneDx Variant Classification Process June 2021. Collection method: clinical testing. Allele origin: germline. Affected: yes.

Athena Diagnostics
Classification: Benign. Last evaluated: 2018-02-23. Review status: criteria provided, single submitter. Criteria: Athena Diagnostics Criteria. Collection method: clinical testing. Allele origin: germline.

PreventionGenetics, part of Exact Sciences
Classification: Benign for ANKRD11-related condition. Last evaluated: 2020-01-13. Review status: no assertion criteria provided. Collection method: clinical testing. Allele origin: germline. Not counted in ClinVar's aggregate classification.
Comment: This variant is classified as benign based on ACMG/AMP sequence variant interpretation guidelines (Richards et al. 2015 PMID: 25741868, with internal and published modifications).

NM_013275.6(ANKRD11):c.6725C>T (p.Ala2242Val)

Gene: ANKRD11 (ankyrin repeat domain 11; minus strand). Cytogenetic location: 16q24.3.
Variant type: single nucleotide variant.
Coding change: c.6725C>T on transcript NM_013275.6 (MANE Select); coding-DNA position 6725, C replaced by T.
Protein change: p.Ala2242Val; replaces alanine 2242 with valine.
Molecular consequence: missense variant.
Genome position (GRCh38, 1-based): chr16:89,279,817, G>A on the plus strand (C>T on the coding strand, the complement: ANKRD11 is on the minus strand). VCF-style: chr16-89279817-G-A. GRCh37 (hg19) VCF-style: chr16-89346225-G-A.
Other names: c.6725C>T, p.Ala2242Val (NM_001256182.2, NM_001256183.2); short protein forms A2242V.
Identifiers: ClinVar variation 585423 (VCV000585423.80), dbSNP rs372632879, ClinGen allele CA8241355.